The following is an entry in ClinVar:

NM_007294.4(BRCA1):c.3157dup (p.Glu1053fs)

Gene: BRCA1 (BRCA1 DNA repair associated; minus strand). Cytogenetic location: 17q21.31.
Variant type: Duplication.
Coding change: c.3157dup on transcript NM_007294.4 (MANE Select); coding-DNA position 3157, one base duplicated (G; older notation c.3157dupG).
Protein change: p.Glu1053fs; shifts the reading frame from glutamic acid 1053.
Molecular consequence: frameshift variant. On other transcripts: intron variant (137).
Genome position (GRCh38, 1-based): chr17:43,092,374, C duplicated on the plus strand (G on the coding strand, the reverse complement: BRCA1 is on the minus strand). VCF-style (leftmost placement, unchanged base first): chr17-43092373-T-TC. GRCh37 (hg19) VCF-style: chr17-41244390-T-TC.
Other names: c.3157dupG (NM_007294.3); c.2944dup, p.Glu982fs (NM_001407571.1, NM_001407853.1, NM_001407894.1 and 9 more transcripts); c.3157dup, p.Glu1053fs (NM_001407581.1, NM_001407582.1, NM_001407583.1 and 30 more transcripts); c.3154dup, p.Glu1052fs (NM_001407587.1, NM_001407590.1, NM_001407591.1 and 22 more transcripts); c.3148dup, p.Glu1050fs (NM_001407646.1, NM_001407647.1); c.3034dup, p.Glu1012fs (NM_001407648.1, NM_001407664.1, NM_001407665.1 and 19 more transcripts); c.3031dup, p.Glu1011fs (NM_001407649.1, NM_001407670.1, NM_001407671.1 and 11 more transcripts); c.3079dup, p.Glu1027fs (NM_001407653.1, NM_001407654.1, NM_001407655.1 and 4 more transcripts); and 42 more; short protein forms E1053fs, E1006fs, E1027fs, E757fs, E941fs, E965fs, E986fs, E1005fs.
Identifiers: ClinVar variation 54784 (VCV000054784.11), dbSNP rs397509042, ClinGen allele CA327858.

ClinVar aggregate classification (germline): Pathogenic. Review status: reviewed by expert panel (3 of 4 stars). 5 submissions from 5 submitters: Pathogenic (1). 4 of the submissions do not count toward it. Last evaluated 2017-12-15.

Conditions:
BRCA1-related disorder. Also called: BRCA1-related condition.
Hereditary breast ovarian cancer syndrome. Also called: Hereditary breast and ovarian cancer syndrome (HBOC); Hereditary breast and ovarian cancer syndrome; Hereditary breast and ovarian cancer; Hereditary breast and/or ovarian cancer syndrome; Breast and ovarian cancer; BRCA1- and BRCA2-Associated Hereditary Breast and Ovarian Cancer. Identifiers: Orphanet 145, MedGen C0677776, MeSH D061325, MONDO:0003582. Disease mechanism: loss of function.
Breast-ovarian cancer, familial, susceptibility to, 1 (BROVCA1). Also called: OVARIAN CANCER, SUSCEPTIBILITY TO; BRCA1 Hereditary Breast and Ovarian Cancer. Identifiers: Orphanet 145, MedGen C2676676, MONDO:0011450, OMIM 604370. Disease mechanism: loss of function.
Familial cancer of breast. Also called: Hereditary breast cancer; hereditary breast carcinoma; BREAST CANCER, FAMILIAL. Identifiers: Orphanet 227535, MedGen C0346153, MONDO:0016419, OMIM 114480. Disease mechanism: loss of function.

Submissions (5):

Evidence-based Network for the Interpretation of Germline Mutant Alleles (ENIGMA)
Classification: Pathogenic for Breast-ovarian cancer, familial, susceptibility to, 1. Last evaluated: 2017-12-15. Review status: reviewed by expert panel. Criteria: ENIGMA BRCA1/2 Classification Criteria (2017-06-29). Collection method: curation. Allele origin: germline. Study: ENIGMA.
Comment: Variant allele predicted to encode a truncated non-functional protein.

Blueprint Genetics
Classification: Pathogenic for BRCA1-related disorders. Last evaluated: 2024-11-15. Review status: criteria provided, single submitter. Criteria: ACMG Guidelines, 2015. Collection method: clinical testing. Allele origin: germline. Affected: yes. Observed: 1 variant allele. Not counted in ClinVar's aggregate classification.

Labcorp Genetics (formerly Invitae), Labcorp
Classification: Pathogenic for Hereditary breast ovarian cancer syndrome. Last evaluated: 2021-07-06. Review status: criteria provided, single submitter. Criteria: Invitae Variant Classification Sherloc (09022015). Collection method: clinical testing. Allele origin: germline. Not counted in ClinVar's aggregate classification.
Comment: This sequence change creates a premature translational stop signal (p.Glu1053Glyfs*7) in the BRCA1 gene. It is expected to result in an absent or disrupted protein product. Loss-of-function variants in BRCA1 are known to be pathogenic (PMID: 20104584). This variant is not present in population databases (ExAC no frequency). This premature translational stop signal has been observed in individual(s) with breast and/or ovarian cancer (PMID: 10980541). This variant is also known as c.3277insG. ClinVar contains an entry for this variant (Variation ID: 54784). For these reasons, this variant has been classified as Pathogenic.

GeneKor MSA
Classification: Pathogenic for Hereditary breast and ovarian cancer syndrome. Last evaluated: 2020-01-01. Review status: criteria provided, single submitter. Criteria: ACMG Guidelines, 2015. Collection method: clinical testing. Allele origin: germline. Affected: yes. Not counted in ClinVar's aggregate classification.
Comment: This variant is an insertion of a single base at position 1053 of BRCA1, causing a frameshift and the creation of a premature translation stop signal 7 amino acid residues later. It is expected to result in an absent or disrupted protein product.

ClinVar Staff, National Center for Biotechnology Information (NCBI)
No classification provided. Condition: Familial cancer of breast. Review status: no classification provided. Collection method: literature only. Allele origin: germline. Affected: yes. Not counted in ClinVar's aggregate classification.

Literature cited by the submitters: PubMed 20104584 (cited by Labcorp Genetics (formerly Invitae), Labcorp); PubMed 10980541 (cited by Labcorp Genetics (formerly Invitae), Labcorp and ClinVar Staff, National Center for Biotechnology Information (NCBI)).